The following is an entry in ClinVar:

NM_007294.4(BRCA1):c.2774del (p.Ile925fs)

Gene: BRCA1 (BRCA1 DNA repair associated; minus strand). Cytogenetic location: 17q21.31.
Variant type: Deletion.
Coding change: c.2774del on transcript NM_007294.4 (MANE Select); coding-DNA position 2774, one base deleted (T; older notation c.2774delT).
Protein change: p.Ile925fs; shifts the reading frame from isoleucine 925.
Molecular consequence: frameshift variant. On other transcripts: intron variant (137).
Genome position (GRCh38, 1-based): chr17:43,092,757, A deleted on the plus strand (T on the coding strand, the reverse complement: BRCA1 is on the minus strand). VCF-style (leftmost placement, unchanged base first): chr17-43092756-GA-G. GRCh37 (hg19) VCF-style: chr17-41244773-GA-G.
Other names: 2893delT; c.2633del, p.Ile878fs (NM_001407732.1, NM_001407733.1, NM_001407734.1 and 29 more transcripts); c.2630del, p.Ile877fs (NM_001407740.1, NM_001407741.1, NM_001407742.1 and 20 more transcripts); c.2561del, p.Ile854fs (NM_001407853.1, NM_001407894.1, NM_001407895.1 and 9 more transcripts); c.2774del, p.Ile925fs (NM_001407854.1, NM_001407858.1, NM_001407859.1 and 30 more transcripts); c.2771del, p.Ile924fs (NM_001407860.1, NM_001407861.1, NM_001407587.1 and 22 more transcripts); c.2573del, p.Ile858fs (NM_001407862.1); c.2651del, p.Ile884fs (NM_001407863.1, NM_001407919.1, NM_001407937.1 and 19 more transcripts); and 42 more; short protein forms I878fs, I925fs, I836fs, I855fs, I857fs, I899fs, I757fs, I837fs.
Identifiers: ClinVar variation 91601 (VCV000091601.3), dbSNP rs398122669, ClinGen allele CA001827.
Genomic context (GRCh38, chr17:43,092,756, plus strand): 5'-ACTACATTTGGCATTATCAACTGGCTTATCTTTCTGACCAACCACAGGAAAGCCTGCAGT[GA>G]TATTAACTGTCTGTACAGGCTTGATATTAGACTCATTCTTTCCTTGATTTTCTTCCTTTT-3'

ClinVar aggregate classification (germline): Pathogenic. Review status: reviewed by expert panel (3 of 4 stars). 2 submissions from 2 submitters: Pathogenic (1). 1 of the submissions does not count toward it. Last evaluated 2016-09-08.

Conditions:
Breast-ovarian cancer, familial, susceptibility to, 1 (BROVCA1). Also called: BRCA1 Hereditary Breast and Ovarian Cancer; OVARIAN CANCER, SUSCEPTIBILITY TO. Identifiers: Orphanet 145, MedGen C2676676, MONDO:0011450, OMIM 604370. Disease mechanism: loss of function.

Submissions (2):

Evidence-based Network for the Interpretation of Germline Mutant Alleles (ENIGMA)
Classification: Pathogenic for Breast-ovarian cancer, familial, susceptibility to, 1. Last evaluated: 2016-09-08. Review status: reviewed by expert panel. Criteria: ENIGMA BRCA1/2 Classification Criteria (2015). Collection method: curation. Allele origin: germline.
Comment: Variant allele predicted to encode a truncated non-functional protein.

Sharing Clinical Reports Project (SCRP)
Classification: Pathogenic for Breast-ovarian cancer, familial 1. Last evaluated: 2012-07-10. Review status: no assertion criteria provided. Collection method: clinical testing. Allele origin: germline. Not counted in ClinVar's aggregate classification.